The following is an entry in ClinVar:

ClinVar aggregate classification (germline): Pathogenic (1 of 4 stars; one submission).

Allele frequency attached by ClinVar (database versions not stated): TOPMed below 0.00001.

Submission:

Labcorp Genetics (formerly Invitae), Labcorp
Classification: Pathogenic. Last evaluated: 2024-11-18. Review status: criteria provided, single submitter. Criteria: Invitae Variant Classification Sherloc (09022015). Collection method: clinical testing. Allele origin: germline.
Comment: This sequence change creates a premature translational stop signal (p.Gln390*) in the TYRP1 gene. It is expected to result in an absent or disrupted protein product. Loss-of-function variants in TYRP1 are known to be pathogenic (PMID: 8651291, 9345097). This variant is not present in population databases (gnomAD no frequency). This variant has not been reported in the literature in individuals affected with TYRP1-related conditions. ClinVar contains an entry for this variant (Variation ID: 2134133). For these reasons, this variant has been classified as Pathogenic.

Literature cited by the submitters: PubMed 8651291; PubMed 9345097.

NM_000550.3(TYRP1):c.1168C>T (p.Gln390Ter)

Genes: LURAP1L-AS1 (LURAP1L antisense RNA 1; minus strand), TYRP1 (tyrosinase related protein 1; plus strand). Cytogenetic location: 9p23.
Variant type: single nucleotide variant.
Coding change: c.1168C>T on transcript NM_000550.3 (MANE Select); coding-DNA position 1168, C replaced by T.
Protein change: p.Gln390Ter; replaces glutamine 390 with a stop codon.
Molecular consequence: nonsense.
Genome position (GRCh38, 1-based): chr9:12,704,612, C>T. VCF-style: chr9-12704612-C-T. GRCh37 (hg19) VCF-style: chr9-12704612-C-T.
Other names: short protein forms Q390*.
Identifiers: ClinVar variation 2134133 (VCV002134133.4), dbSNP rs1194387834, ClinGen allele CA372942674.